The following is an entry in ClinVar:

NM_000321.3(RB1):c.1435G>C (p.Asp479His)

Gene: RB1 (RB transcriptional corepressor 1; plus strand). Cytogenetic location: 13q14.2.
Variant type: single nucleotide variant.
Coding change: c.1435G>C on transcript NM_000321.3 (MANE Select); coding-DNA position 1435, G replaced by C.
Protein change: p.Asp479His; replaces aspartic acid 479 with histidine.
Molecular consequence: missense variant.
Genome position (GRCh38, 1-based): chr13:48,380,178, G>C. VCF-style: chr13-48380178-G-C. GRCh37 (hg19) VCF-style: chr13-48954314-G-C.
Other names: c.1435G>C, p.Asp479His (NM_001407165.1, NM_001407166.1); short protein forms D479H.
Identifiers: ClinVar variation 3313034 (VCV003313034.1).

ClinVar aggregate classification (germline): Uncertain significance (1 of 4 stars; one submission).

Conditions:
Hereditary cancer-predisposing syndrome. Also called: Neoplastic Syndromes, Hereditary; Tumor predisposition; Hereditary neoplastic syndrome; Hereditary Cancer Syndrome. Identifiers: Orphanet 140162, MedGen C0027672, MeSH D009386, MONDO:0015356.

Submission:

Ambry Genetics
Classification: Uncertain significance for Hereditary cancer-predisposing syndrome. Last evaluated: 2024-03-20. Review status: criteria provided, single submitter. Criteria: Ambry Variant Classification Scheme 2023. Collection method: clinical testing. Allele origin: germline.
Comment: The p.D479H variant (also known as c.1435G>C), located in coding exon 16 of the RB1 gene, results from a G to C substitution at nucleotide position 1435. The aspartic acid at codon 479 is replaced by histidine, an amino acid with similar properties. This amino acid position is conserved. In addition, the in silico prediction for this alteration is inconclusive. Based on the available evidence, the clinical significance of this alteration remains unclear.